The following is an entry in ClinVar:

ClinVar aggregate classification (germline): Conflicting classifications of pathogenicity. Review status: criteria provided, conflicting classifications (1 of 4 stars). 8 submissions from 8 submitters: Pathogenic (1); Likely pathogenic (4); Uncertain significance (2). 1 of the submissions does not count toward it. Last evaluated 2026-06-10.

Conditions:
Smith-Lemli-Opitz syndrome (SLOS). Also called: 7-Dehydrocholesterol reductase deficiency; LETHAL ACRODYSGENITAL SYNDROME; POLYDACTYLY, SEX REVERSAL, RENAL HYPOPLASIA, AND UNILOBAR LUNG; RSH SYNDROME; RUTLEDGE LETHAL MULTIPLE CONGENITAL ANOMALY SYNDROME. Identifiers: Orphanet 818, MedGen C0175694, MONDO:0010035, OMIM 270400.

Allele frequency attached by ClinVar (database versions not stated): TOPMed 0.00002; ExAC 0.00002; gnomAD 0.00002; gnomAD exomes 0.00002.

Submissions (8):

Myriad Genetics, Inc.
Classification: Uncertain significance for Smith-Lemli-Opitz syndrome. Last evaluated: 2026-06-10. Review status: criteria provided, single submitter. Criteria: Myriad Autosomal Dominant, Autosomal Recessive and X-Linked Classification Criteria (2023). Collection method: clinical testing. Allele origin: unknown.
Comment: NM_001360.2(DHCR7):c.682C>T(R228W) is a missense variant classified as a variant of uncertain significance in the context of Smith-Lemli-Opitz syndrome. R228W has been observed in cases with relevant disease (PMID: 15776424, 25040602, 22226660). Relevant functional assessments of this variant are not available in the literature. R228W has been observed in referenced population frequency databases. In summary, there is insufficient evidence to classify NM_001360.2(DHCR7):c.682C>T(R228W) as pathogenic or benign. Please note: this variant was assessed in the context of healthy population screening.

Labcorp Genetics (formerly Invitae), Labcorp
Classification: Pathogenic for Smith-Lemli-Opitz syndrome. Last evaluated: 2026-01-20. Review status: criteria provided, single submitter. Criteria: Invitae Variant Classification Sherloc (09022015). Collection method: clinical testing. Allele origin: germline.
Comment: This sequence change replaces arginine, which is basic and polar, with tryptophan, which is neutral and slightly polar, at codon 228 of the DHCR7 protein (p.Arg228Trp). This variant is present in population databases (rs775773057, gnomAD 0.004%). This missense change has been observed in individual(s) with Smith-Lemli-Opitz syndrome (PMID: 15776424, 22226660). In at least one individual the data is consistent with being in trans (on the opposite chromosome) from a pathogenic variant. ClinVar contains an entry for this variant (Variation ID: 558494). Invitae Evidence Modeling of protein sequence and biophysical properties (such as structural, functional, and spatial information, amino acid conservation, physicochemical variation, residue mobility, and thermodynamic stability) indicates that this missense variant is expected to disrupt DHCR7 protein function with a positive predictive value of 95%. For these reasons, this variant has been classified as Pathogenic.

Natera, Inc.
Classification: Likely pathogenic for Smith-Lemli-Opitz syndrome. Last evaluated: 2025-11-07. Review status: criteria provided, single submitter. Criteria: Natera Variant Classification Schema (03/2026). Collection method: clinical testing. Allele origin: germline.
Comment: The c.682C>T variant in DHCR7 is a missense variant predicted to cause substitution of arginine to tryptophan at amino acid 228. This variant is rare in the general population with a frequency below the threshold expected for the associated phenotype(s). This variant has been observed in one or more individuals affected with the associated recessive disease, as either homozygous or compound heterozygous with a second variant (PMID: 22226660, 15776424). This variant has been identified in one or more affected individual with a phenotype highly consistent with the associated gene (PMID: 22226660). Computational prediction algorithms indicate this variant is likely to affect gene or protein function. Given the available evidence, this variant is classified as Likely Pathogenic.

GeneDx
Classification: Likely pathogenic. Last evaluated: 2025-09-12. Review status: criteria provided, single submitter. Criteria: GeneDx Variant Classification Process June 2021. Collection method: clinical testing. Allele origin: germline.
Comment: Not observed at significant frequency in large population cohorts (gnomAD); In silico analysis supports that this missense variant has a deleterious effect on protein structure/function; This variant is associated with the following publications: (PMID: 15776424, 25040602, 22226660, 23042628, 16207203)

Women's Health and Genetics/Laboratory Corporation of America, LabCorp
Classification: Likely pathogenic for Smith-Lemli-Opitz syndrome. Last evaluated: 2025-08-15. Review status: criteria provided, single submitter. Criteria: LabCorp Variant Classification Summary - May 2015. Collection method: clinical testing. Allele origin: germline.
Comment: Variant summary: DHCR7 c.682C>T (p.Arg228Trp) results in a non-conservative amino acid change in the encoded protein sequence. Algorithms developed to predict the effect of missense changes on protein structure and function all suggest that this variant is likely to be disruptive. The variant allele was found at a frequency of 1.6e-05 in 251396 control chromosomes. c.682C>T has been reported in the literature in individuals affected with Smith-Lemli-Opitz Syndrome (example: Witsch-Baumgartner_2005, Quelin_2012, Lanthaler_2015). These data indicate that the variant may be associated with disease. To our knowledge, no experimental evidence demonstrating an impact on protein function has been reported. The following publications have been ascertained in the context of this evaluation (PMID: 25040602, 22226660, 15776424). ClinVar contains an entry for this variant (Variation ID: 558494). Based on the evidence outlined above, the variant was classified as likely pathogenic.

Institute of Medical Genetics and Applied Genomics, University Hospital Tübingen
Classification: Likely pathogenic. Last evaluated: 2020-10-23. Review status: criteria provided, single submitter. Criteria: ACMG Guidelines, 2015. Collection method: clinical testing. Allele origin: germline. Inheritance: Unknown mechanism. Affected: yes.

Fulgent Genetics
Classification: Uncertain significance for Smith-Lemli-Opitz syndrome. Last evaluated: 2018-10-31. Review status: criteria provided, single submitter. Criteria: ACMG Guidelines, 2015. Collection method: clinical testing. Allele origin: unknown.

Counsyl
Classification: Uncertain significance for Smith-Lemli-Opitz syndrome. Last evaluated: 2018-05-23. Review status: no assertion criteria provided. Collection method: clinical testing. Allele origin: unknown. Not counted in ClinVar's aggregate classification.

Literature cited by the submitters: PubMed 15776424 (cited by 5 submitters); PubMed 22226660 (cited by 5 submitters); PubMed 25040602 (cited by 3 submitters).

NM_001360.3(DHCR7):c.682C>T (p.Arg228Trp)

Gene: DHCR7 (7-dehydrocholesterol reductase; minus strand). Cytogenetic location: 11q13.4.
Variant type: single nucleotide variant.
Coding change: c.682C>T on transcript NM_001360.3 (MANE Select); coding-DNA position 682, C replaced by T.
Protein change: p.Arg228Trp; replaces arginine 228 with tryptophan.
Molecular consequence: missense variant.
Genome position (GRCh38, 1-based): chr11:71,439,028, G>A on the plus strand (C>T on the coding strand, the complement: DHCR7 is on the minus strand). VCF-style: chr11-71439028-G-A. GRCh37 (hg19) VCF-style: chr11-71150074-G-A.
Other names: c.682C>T, p.Arg228Trp (NM_001163817.2); short protein forms R228W.
Identifiers: ClinVar variation 558494 (VCV000558494.21), dbSNP rs775773057, ClinGen allele CA6162491.